The following is an entry in ClinVar:

ClinVar aggregate classification (germline): Likely benign. Review status: criteria provided, multiple submitters, no conflicts (2 of 4 stars). 3 submissions from 3 submitters: Likely benign (3). Last evaluated 2025-01-07.

Conditions:
Lynch syndrome 5 (LYNCH5). Also called: Colorectal cancer, hereditary nonpolyposis, type 5; Hereditary non-polyposis colorectal cancer, type 5. Identifiers: Orphanet 144, MedGen C1833477, MONDO:0013710, OMIM 614350. Disease mechanism: loss of function.
Lynch syndrome. Identifiers: Orphanet 144, MedGen C4552100, MONDO:0005835. Disease mechanism: loss of function.
Breast and/or ovarian cancer. Identifiers: MedGen CN221562.

Allele frequency attached by ClinVar (database versions not stated): gnomAD exomes below 0.00001.

Submissions (3):

Myriad Genetics, Inc.
Classification: Likely benign for Lynch syndrome 5. Last evaluated: 2025-01-07. Review status: criteria provided, single submitter. Criteria: Myriad Autosomal Dominant, Autosomal Recessive and X-Linked Classification Criteria (2023). Collection method: clinical testing. Allele origin: unknown.
Comment: This variant is considered likely benign. This variant is intronic and is not expected to impact mRNA splicing.

All of Us Research Program, National Institutes of Health
Classification: Likely benign for Lynch syndrome. Last evaluated: 2023-05-16. Review status: criteria provided, single submitter. Criteria: ACMG Guidelines, 2015. Collection method: clinical testing. Allele origin: germline. Inheritance: Autosomal dominant inheritance. Observed: 1 variant allele, 1 heterozygote.
Comment: This study involves interpretation of variants in research participants for the purpose of population health screening. Participant phenotype was not available at the time of variant classification. Additional details can be found in publication PMID: 35346344, PMCID: PMC8962531

CHEO Genetics Diagnostic Laboratory, Children's Hospital of Eastern Ontario
Classification: Likely benign for Breast and/or ovarian cancer. Last evaluated: 2021-09-29. Review status: criteria provided, single submitter. Criteria: ACMG Guidelines, 2015. Collection method: clinical testing. Allele origin: germline.

NM_000179.3(MSH6):c.3557-13_3557-12insG

Gene: MSH6 (mutS homolog 6; plus strand). Cytogenetic location: 2p16.3.
Variant type: Insertion.
Coding change: c.3557-13_3557-12insG on transcript NM_000179.3 (MANE Select); 13 bases into the intron before coding-DNA position 3557 through 12 bases into the intron before coding-DNA position 3557, G inserted.
Molecular consequence: intron variant.
Genome position: GRCh38 VCF-style: chr2-47805605-T-TG. GRCh37 (hg19) VCF-style: chr2-48032744-T-TG.
Other names: c.2651-13_2651-12insG (NM_001281493.2, NM_001281494.2); c.3167-13_3167-12insG (NM_001281492.2).
Identifiers: ClinVar variation 2442976 (VCV002442976.4), dbSNP rs1315541351, ClinGen allele CA532354355.